The following is an entry in ClinVar:

ClinVar aggregate classification (germline): Uncertain significance (1 of 4 stars; one submission).

Conditions:
Hypertrophic cardiomyopathy. Also called: HYPERTROPHIC MYOCARDIOPATHY. Identifiers: Orphanet 217569, MedGen C0007194, MeSH D002312, MONDO:0005045, HP:0001639.
Primary dilated cardiomyopathy (DCM). Also called: Dilated Cardiomyopathy. Identifiers: Orphanet 217604, MedGen C0007193, MeSH D002311, MONDO:0005021, HP:0001644. Inheritance: Various modes of inheritance.

Submission:

Labcorp Genetics (formerly Invitae), Labcorp
Classification: Uncertain significance for Hypertrophic cardiomyopathy; Primary dilated cardiomyopathy. Last evaluated: 2022-05-28. Review status: criteria provided, single submitter. Criteria: Invitae Variant Classification Sherloc (09022015). Collection method: clinical testing. Allele origin: germline.
Comment: This sequence change replaces valine, which is neutral and non-polar, with alanine, which is neutral and non-polar, at codon 319 of the PDLIM3 protein (p.Val319Ala). This variant is not present in population databases (gnomAD no frequency). This variant has not been reported in the literature in individuals affected with PDLIM3-related conditions. Algorithms developed to predict the effect of missense changes on protein structure and function (SIFT, PolyPhen-2, Align-GVGD) all suggest that this variant is likely to be disruptive. In summary, the available evidence is currently insufficient to determine the role of this variant in disease. Therefore, it has been classified as a Variant of Uncertain Significance.

NM_014476.6(PDLIM3):c.956T>C (p.Val319Ala)

Gene: PDLIM3 (PDZ and LIM domain 3; minus strand). Cytogenetic location: 4q35.1.
Variant type: single nucleotide variant.
Coding change: c.956T>C on transcript NM_014476.6 (MANE Select); coding-DNA position 956, T replaced by C.
Protein change: p.Val319Ala; replaces valine 319 with alanine.
Molecular consequence: missense variant. On other transcripts: non-coding transcript variant (1).
Genome position (GRCh38, 1-based): chr4:185,502,433, A>G on the plus strand (T>C on the coding strand, the complement: PDLIM3 is on the minus strand). VCF-style: chr4-185502433-A-G. GRCh37 (hg19) VCF-style: chr4-186423587-A-G.
Other names: c.812T>C, p.Val271Ala (NM_001114107.5); c.692T>C, p.Val231Ala (NM_001257962.2); c.455T>C, p.Val152Ala (NM_001257963.2); short protein forms V271A, V152A, V319A, V231A.
Identifiers: ClinVar variation 1937180 (VCV001937180.5), dbSNP rs2478308867, ClinGen allele CA358919690.